The following is an entry in ClinVar:

NM_002439.5(MSH3):c.604C>A (p.Gln202Lys)

Gene: MSH3 (mutS homolog 3; plus strand). Cytogenetic location: 5q14.1.
Variant type: single nucleotide variant.
Coding change: c.604C>A on transcript NM_002439.5 (MANE Select); coding-DNA position 604, C replaced by A.
Protein change: p.Gln202Lys; replaces glutamine 202 with lysine.
Molecular consequence: missense variant.
Genome position (GRCh38, 1-based): chr5:80,670,121, C>A. VCF-style: chr5-80670121-C-A. GRCh37 (hg19) VCF-style: chr5-79965940-C-A.
Other names: short protein forms Q202K.
Identifiers: ClinVar variation 956304 (VCV000956304.9), dbSNP rs1749670698, ClinGen allele CA360265931.

ClinVar aggregate classification (germline): Uncertain significance (1 of 4 stars; one submission).

Submission:

Labcorp Genetics (formerly Invitae), Labcorp
Classification: Uncertain significance. Last evaluated: 2019-08-02. Review status: criteria provided, single submitter. Criteria: Invitae Variant Classification Sherloc (09022015). Collection method: clinical testing. Allele origin: germline.
Comment: This variant has not been reported in the literature in individuals with MSH3-related conditions. In summary, the available evidence is currently insufficient to determine the role of this variant in disease. Therefore, it has been classified as a Variant of Uncertain Significance. Algorithms developed to predict the effect of missense changes on protein structure and function (SIFT, PolyPhen-2, Align-GVGD) all suggest that this variant is likely to be tolerated, but these predictions have not been confirmed by published functional studies and their clinical significance is uncertain. This variant is not present in population databases (ExAC no frequency). This sequence change replaces glutamine with lysine at codon 202 of the MSH3 protein (p.Gln202Lys). The glutamine residue is weakly conserved and there is a small physicochemical difference between glutamine and lysine.